The following is an entry in ClinVar:

NM_198576.4(AGRN):c.1297G>A (p.Gly433Arg)

Gene: AGRN (agrin; plus strand). Cytogenetic location: 1p36.33.
Variant type: single nucleotide variant.
Coding change: c.1297G>A on transcript NM_198576.4 (MANE Select); coding-DNA position 1297, G replaced by A.
Protein change: p.Gly433Arg; replaces glycine 433 with arginine.
Molecular consequence: missense variant.
Genome position (GRCh38, 1-based): chr1:1,042,075, G>A. VCF-style: chr1-1042075-G-A. GRCh37 (hg19) VCF-style: chr1-977455-G-A.
Other names: c.1297G>A, p.Gly433Arg (NM_001305275.2); c.982G>A, p.Gly328Arg (NM_001364727.2); short protein forms G328R, G433R.
Identifiers: ClinVar variation 2511177 (VCV002511177.3), dbSNP rs373754480, ClinGen allele CA508105.

ClinVar aggregate classification (germline): Uncertain significance. Review status: criteria provided, multiple submitters, no conflicts (2 of 4 stars). 2 submissions from 2 submitters: Uncertain significance (2). Last evaluated 2024-06-19.

Conditions:
Congenital myasthenic syndrome 8. Also called: MYASTHENIC SYNDROME, CONGENITAL, DUE TO AGRIN DEFICIENCY; Myasthenic syndrome, congenital, 8, with pre- and postsynaptic defects. Identifiers: Orphanet 590, MedGen C3808739, MONDO:0014052, OMIM 615120.
Inborn genetic diseases. Identifiers: MedGen C0950123, MeSH D030342.

Allele frequency attached by ClinVar (database versions not stated): gnomAD 0.00002; TOPMed 0.00003; ExAC 0.00004; ESP Exome Variant Server 0.00008.
gnomAD v4.1: 74 of 1,606,270 alleles (0.0046%); highest among the groups gnomAD compares: Admixed American, 0.0067%; no homozygotes.

Submissions (2):

Labcorp Genetics (formerly Invitae), Labcorp
Classification: Uncertain significance for Congenital myasthenic syndrome 8. Last evaluated: 2024-06-19. Review status: criteria provided, single submitter. Criteria: Invitae Variant Classification Sherloc (09022015). Collection method: clinical testing. Allele origin: germline.
Comment: This sequence change replaces glycine, which is neutral and non-polar, with arginine, which is basic and polar, at codon 433 of the AGRN protein (p.Gly433Arg). This variant is present in population databases (rs373754480, gnomAD 0.009%). This variant has not been reported in the literature in individuals affected with AGRN-related conditions. ClinVar contains an entry for this variant (Variation ID: 2511177). An algorithm developed to predict the effect of missense changes on protein structure and function (PolyPhen-2) suggests that this variant is likely to be disruptive. In summary, the available evidence is currently insufficient to determine the role of this variant in disease. Therefore, it has been classified as a Variant of Uncertain Significance.

Ambry Genetics
Classification: Uncertain significance for Inborn genetic diseases. Last evaluated: 2023-05-23. Review status: criteria provided, single submitter. Criteria: Ambry Variant Classification Scheme 2023. Collection method: clinical testing. Allele origin: germline.